The following is an entry in ClinVar:

ClinVar aggregate classification (germline): Pathogenic (1 of 4 stars; one submission).

Submission:

Labcorp Genetics (formerly Invitae), Labcorp
Classification: Pathogenic. Last evaluated: 2022-10-21. Review status: criteria provided, single submitter. Criteria: Invitae Variant Classification Sherloc (09022015). Collection method: clinical testing. Allele origin: germline.
Comment: For these reasons, this variant has been classified as Pathogenic. This variant has not been reported in the literature in individuals affected with SLC4A1-related conditions. This variant is not present in population databases (gnomAD no frequency). This sequence change creates a premature translational stop signal (p.Tyr392Leufs*5) in the SLC4A1 gene. It is expected to result in an absent or disrupted protein product. Loss-of-function variants in SLC4A1 are known to be pathogenic (PMID: 8943874, 10926824, 23255290).

Literature cited by the submitters: PubMed 8943874; PubMed 10926824; PubMed 23255290.

NM_000342.4(SLC4A1):c.1173dup (p.Tyr392fs)

Gene: SLC4A1 (solute carrier family 4 member 1 (Diego blood group); minus strand). Cytogenetic location: 17q21.31.
Variant type: Duplication.
Coding change: c.1173dup on transcript NM_000342.4 (MANE Select); coding-DNA position 1173, one base duplicated (C; older notation c.1173dupC).
Protein change: p.Tyr392fs; shifts the reading frame from tyrosine 392.
Molecular consequence: frameshift variant.
Genome position (GRCh38, 1-based): chr17:44,258,095, G duplicated on the plus strand (C on the coding strand, the reverse complement: SLC4A1 is on the minus strand); the first of 4 consecutive G bases (chr17:44,258,095-44,258,098); duplicating any one gives the same sequence. VCF-style (leftmost placement, unchanged base first): chr17-44258094-A-AG. GRCh37 (hg19) VCF-style: chr17-42335462-A-AG.
Other names: short protein forms Y392fs.
Identifiers: ClinVar variation 2036485 (VCV002036485.4), dbSNP rs2509966665, ClinGen allele CA2580093858.
Genomic context (GRCh38, chr17:44,258,094, plus strand): 5'-TGAAGATGACGGCAGCCAGGACCTGGGGGCTGAATGCATCTGTGATGTCACTCAGGTAAT[A>AG]GGGGTAGCGGCGCCGGATATCACGCACCAGGCCCCCGAAGAGCTGGCCTGTCTGCTGCAG-3'